The following is an entry in ClinVar:

NM_001040142.2(SCN2A):c.4618C>T (p.Leu1540Phe)

Gene: SCN2A (sodium voltage-gated channel alpha subunit 2; plus strand). Cytogenetic location: 2q24.3.
Variant type: single nucleotide variant.
Coding change: c.4618C>T on transcript NM_001040142.2 (MANE Select); coding-DNA position 4618, C replaced by T.
Protein change: p.Leu1540Phe; replaces leucine 1540 with phenylalanine.
Molecular consequence: missense variant.
Genome position (GRCh38, 1-based): chr2:165,386,812, C>T. VCF-style: chr2-165386812-C-T. GRCh37 (hg19) VCF-style: chr2-166243322-C-T.
Other names: c.4618C>T, p.Leu1540Phe (NM_001040143.2, NM_001371246.1, NM_001371247.1 and 1 more transcripts); short protein forms L1540F.
Identifiers: ClinVar variation 3158525 (VCV003158525.4), dbSNP rs764567959, ClinGen allele CA1940309.

ClinVar aggregate classification (germline): Uncertain significance. Review status: criteria provided, multiple submitters, no conflicts (2 of 4 stars). 3 submissions from 3 submitters: Uncertain significance (3). Last evaluated 2025-01-13.

Conditions:
Inborn genetic diseases. Identifiers: MedGen C0950123, MeSH D030342.
Seizures, benign familial infantile, 3 (BFIS3). Also called: CONVULSIONS, BENIGN FAMILIAL INFANTILE, 3; Familial neonatal seizures. Identifiers: Orphanet 140927, Orphanet 306, MedGen C1843140, MONDO:0011904, OMIM 607745.
Developmental and epileptic encephalopathy, 11 (DEE11). Also called: Early infantile epileptic encephalopathy 11. Identifiers: Orphanet 1934, MedGen C3150987, MONDO:0013388, OMIM 613721.

Allele frequency attached by ClinVar (database versions not stated): gnomAD exomes below 0.00001; ExAC 0.00001; gnomAD 0.00001; TOPMed 0.00001.
gnomAD v4.1: 2 of 1,613,684 alleles (0.00012%); highest among the groups gnomAD compares: East Asian, 0.0022%; no homozygotes.

Submissions (3):

Labcorp Genetics (formerly Invitae), Labcorp
Classification: Uncertain significance for Seizures, benign familial infantile, 3; Developmental and epileptic encephalopathy, 11. Last evaluated: 2025-01-13. Review status: criteria provided, single submitter. Criteria: Invitae Variant Classification Sherloc (09022015). Collection method: clinical testing. Allele origin: germline.
Comment: This sequence change replaces leucine, which is neutral and non-polar, with phenylalanine, which is neutral and non-polar, at codon 1540 of the SCN2A protein (p.Leu1540Phe). This variant is present in population databases (rs764567959, gnomAD 0.01%). This variant has not been reported in the literature in individuals affected with SCN2A-related conditions. ClinVar contains an entry for this variant (Variation ID: 3158525). Invitae Evidence Modeling of protein sequence and biophysical properties (such as structural, functional, and spatial information, amino acid conservation, physicochemical variation, residue mobility, and thermodynamic stability) indicates that this missense variant is expected to disrupt SCN2A protein function with a positive predictive value of 95%. In summary, the available evidence is currently insufficient to determine the role of this variant in disease. Therefore, it has been classified as a Variant of Uncertain Significance.

GeneDx
Classification: Uncertain significance. Last evaluated: 2024-04-27. Review status: criteria provided, single submitter. Criteria: GeneDx Variant Classification Process June 2021. Collection method: clinical testing. Allele origin: germline. Affected: yes.
Comment: In silico analysis supports that this missense variant has a deleterious effect on protein structure/function; Has not been previously published as pathogenic or benign to our knowledge

Ambry Genetics
Classification: Uncertain significance for Inborn genetic diseases. Last evaluated: 2023-12-13. Review status: criteria provided, single submitter. Criteria: Ambry Variant Classification Scheme 2023. Collection method: clinical testing. Allele origin: germline.